The following is an entry in ClinVar:

ClinVar aggregate classification (germline): Uncertain significance (0 of 4 stars; one submission).

Conditions:
PCNT-related disorder. Also called: PCNT-related condition.

gnomAD v4.1: 2 of 1,605,780 alleles (0.00012%); highest among the groups gnomAD compares: Non-Finnish European, 0.00017%; no homozygotes.

Submission:

PreventionGenetics, part of Exact Sciences
Classification: Uncertain significance for PCNT-related condition. Last evaluated: 2024-05-20. Review status: no assertion criteria provided. Collection method: clinical testing. Allele origin: germline.
Comment: The PCNT c.4976A>G variant is predicted to result in the amino acid substitution p.Lys1659Arg. To our knowledge, this variant has not been reported in the literature or in a large population database, indicating this variant is rare. At this time, the clinical significance of this variant is uncertain due to the absence of conclusive functional and genetic evidence.

NM_006031.6(PCNT):c.4976A>G (p.Lys1659Arg)

Gene: PCNT (pericentrin; plus strand). Cytogenetic location: 21q22.3.
Variant type: single nucleotide variant.
Coding change: c.4976A>G on transcript NM_006031.6 (MANE Select); coding-DNA position 4976, A replaced by G.
Protein change: p.Lys1659Arg; replaces lysine 1659 with arginine.
Molecular consequence: missense variant.
Genome position (GRCh38, 1-based): chr21:46,402,344, A>G. VCF-style: chr21-46402344-A-G. GRCh37 (hg19) VCF-style: chr21-47822258-A-G.
Other names: c.4622A>G, p.Lys1541Arg (NM_001315529.2); short protein forms K1541R, K1659R.
Identifiers: ClinVar variation 3353904 (VCV003353904.1).